The following is an entry in ClinVar:

ClinVar aggregate classification (germline): Uncertain significance. Review status: criteria provided, multiple submitters, no conflicts (2 of 4 stars). 3 submissions from 3 submitters: Uncertain significance (3). Last evaluated 2026-01-11.

Conditions:
Nonpapillary renal cell carcinoma. Identifiers: Orphanet 422526, MedGen CN074294, MONDO:0007763, OMIM 144700.
Familial spontaneous pneumothorax (PSP). Identifiers: Orphanet 2903, MedGen C1868193, MONDO:0008259, OMIM 173600.
Birt-Hogg-Dube syndrome 1 (BHD1). Also called: FIBROFOLLICULOMAS WITH TRICHODISCOMAS AND ACROCHORDONS. Identifiers: Orphanet 122, MedGen CN375946, MONDO:0800445, OMIM 135150.
Colorectal cancer. Also called: Colorectal cancer, somatic; Malignant Colorectal Neoplasm. Identifiers: MedGen C0346629, MONDO:0005575, OMIM 114500.
Birt-Hogg-Dube syndrome. Also called: Birt Hogg Dubé syndrome. Identifiers: Orphanet 122, MedGen C0346010, MONDO:0800444.
Hereditary cancer-predisposing syndrome. Also called: Hereditary neoplastic syndrome; Neoplastic Syndromes, Hereditary; Hereditary Cancer Syndrome; Tumor predisposition. Identifiers: Orphanet 140162, MedGen C0027672, MeSH D009386, MONDO:0015356.

Allele frequency attached by ClinVar (database versions not stated): TOPMed below 0.00001; gnomAD 0.00001; gnomAD exomes 0.00001.
gnomAD v4.1: 15 of 1,613,754 alleles (0.00093%); highest among the groups gnomAD compares: Non-Finnish European, 0.0013%; no homozygotes.

Submissions (3):

Labcorp Genetics (formerly Invitae), Labcorp
Classification: Uncertain significance for Birt-Hogg-Dube syndrome. Last evaluated: 2026-01-11. Review status: criteria provided, single submitter. Criteria: Invitae Variant Classification Sherloc (09022015). Collection method: clinical testing. Allele origin: germline.
Comment: This sequence change replaces glutamine, which is neutral and polar, with histidine, which is basic and polar, at codon 167 of the FLCN protein (p.Gln167His). This variant is present in population databases (rs772775816, gnomAD 0.002%). This variant has not been reported in the literature in individuals affected with FLCN-related conditions. ClinVar contains an entry for this variant (Variation ID: 571401). Invitae Evidence Modeling of protein sequence and biophysical properties (such as structural, functional, and spatial information, amino acid conservation, physicochemical variation, residue mobility, and thermodynamic stability) indicates that this missense variant is not expected to disrupt FLCN protein function with a negative predictive value of 80%. In summary, the available evidence is currently insufficient to determine the role of this variant in disease. Therefore, it has been classified as a Variant of Uncertain Significance.

Fulgent Genetics
Classification: Uncertain significance for Colorectal cancer; Birt-Hogg-Dube syndrome 1; Nonpapillary renal cell carcinoma; Familial spontaneous pneumothorax. Last evaluated: 2024-04-12. Review status: criteria provided, single submitter. Criteria: ACMG Guidelines, 2015. Collection method: clinical testing. Allele origin: germline.

Ambry Genetics
Classification: Uncertain significance for Hereditary cancer-predisposing syndrome. Last evaluated: 2024-03-06. Review status: criteria provided, single submitter. Criteria: Ambry Variant Classification Scheme 2023. Collection method: clinical testing. Allele origin: germline.
Comment: The p.Q167H variant (also known as c.501G>C), located in coding exon 3 of the FLCN gene, results from a G to C substitution at nucleotide position 501. The glutamine at codon 167 is replaced by histidine, an amino acid with highly similar properties. This amino acid position is highly conserved in available vertebrate species. In addition, this alteration is predicted to be deleterious by in silico analysis. Since supporting evidence is limited at this time, the clinical significance of this alteration remains unclear.

NM_144997.7(FLCN):c.501G>C (p.Gln167His)

Gene: FLCN (folliculin; minus strand). Cytogenetic location: 17p11.2.
Variant type: single nucleotide variant.
Coding change: c.501G>C on transcript NM_144997.7 (MANE Select); coding-DNA position 501, G replaced by C.
Protein change: p.Gln167His; replaces glutamine 167 with histidine.
Molecular consequence: missense variant.
Genome position (GRCh38, 1-based): chr17:17,224,039, C>G on the plus strand (G>C on the coding strand, the complement: FLCN is on the minus strand). VCF-style: chr17-17224039-C-G. GRCh37 (hg19) VCF-style: chr17-17127353-C-G.
Other names: c.555G>C, p.Gln185His (NM_001353229.2); c.501G>C, p.Gln167His (NM_001353230.2, NM_001353231.2, NM_144606.7); c.501G>C (LRG_325t1); short protein forms Q167H, Q185H.
Identifiers: ClinVar variation 571401 (VCV000571401.17), dbSNP rs772775816, ClinGen allele CA288317107.